The following is an entry in ClinVar:

NM_000256.3(MYBPC3):c.501C>T (p.Thr167=)

Gene: MYBPC3 (myosin binding protein C3; minus strand). Cytogenetic location: 11p11.2.
Variant type: single nucleotide variant.
Coding change: c.501C>T on transcript NM_000256.3 (MANE Select); coding-DNA position 501, C replaced by T.
Protein change: p.Thr167=; no amino-acid change (threonine 167 retained).
Molecular consequence: synonymous variant.
Genome position (GRCh38, 1-based): chr11:47,350,018, G>A on the plus strand (C>T on the coding strand, the complement: MYBPC3 is on the minus strand). VCF-style: chr11-47350018-G-A. GRCh37 (hg19) VCF-style: chr11-47371569-G-A.
Identifiers: ClinVar variation 42761 (VCV000042761.45), dbSNP rs397516054, ClinGen allele CA015257.

ClinVar aggregate classification (germline): Conflicting classifications of pathogenicity. Review status: criteria provided, conflicting classifications (1 of 4 stars). 14 submissions from 13 submitters: Uncertain significance (1); Benign (2); Likely benign (8). 3 of the submissions do not count toward it. Last evaluated 2026-01-11.

Conditions:
Cardiovascular phenotype. Identifiers: MedGen CN230736.
MYBPC3-related disorder. Also called: MYBPC3-related disorders; MYBPC3-related condition; MYBPC3-related disease.
Left ventricular noncompaction 10 (LVNC10). Identifiers: Orphanet 154, Orphanet 54260, MedGen C3715165, MONDO:0014163, OMIM 615396.
Cardiomyopathy (CMYO). Also called: Cardiomyopathies. Identifiers: Orphanet 167848, MedGen C0878544, MONDO:0004994, HP:0001638. Inheritance: Various modes of inheritance.
Hypertrophic cardiomyopathy 4. Also called: Familial hypertrophic cardiomyopathy 4. Identifiers: MedGen C1861862, MONDO:0007268, OMIM 115197.
Hypertrophic cardiomyopathy. Also called: HYPERTROPHIC MYOCARDIOPATHY. Identifiers: Orphanet 217569, MedGen C0007194, MeSH D002312, MONDO:0005045, HP:0001639.

Allele frequency attached by ClinVar (database versions not stated): TOPMed 0.00009; gnomAD 0.00012 and 0.00013; gnomAD exomes 0.00012 and 0.00014; ExAC 0.00021.

Submissions (14):

Labcorp Genetics (formerly Invitae), Labcorp
Classification: Likely benign for Hypertrophic cardiomyopathy. Last evaluated: 2026-01-11. Review status: criteria provided, single submitter. Criteria: Invitae Variant Classification Sherloc (09022015). Collection method: clinical testing. Allele origin: germline.

Blueprint Genetics
Classification: Likely benign. Last evaluated: 2024-09-02. Review status: criteria provided, single submitter. Criteria: ACMG Guidelines, 2015. Collection method: clinical testing. Allele origin: germline.

CHEO Genetics Diagnostic Laboratory, Children's Hospital of Eastern Ontario
Classification: Likely benign for Cardiomyopathy. Last evaluated: 2020-04-07. Review status: criteria provided, single submitter. Criteria: ACMG Guidelines, 2015. Collection method: clinical testing. Allele origin: germline.

Ambry Genetics
Classification: Likely benign for Cardiovascular phenotype. Last evaluated: 2020-01-23. Review status: criteria provided, single submitter. Criteria: Ambry Variant Classification Scheme 2023. Collection method: clinical testing. Allele origin: germline.

Molecular Diagnostic Laboratory for Inherited Cardiovascular Disease, Montreal Heart Institute
Classification: Likely benign. Last evaluated: 2020-01-23. Review status: criteria provided, single submitter. Criteria: ACMG Guidelines, 2015. Collection method: clinical testing. Allele origin: germline. Affected: yes.

Athena Diagnostics
Classification: Benign. Last evaluated: 2020-01-21. Review status: criteria provided, single submitter. Criteria: Athena Diagnostics Criteria. Collection method: clinical testing. Allele origin: unknown.

Color Diagnostics, LLC DBA Color Health
Classification: Likely benign for Cardiomyopathy. Last evaluated: 2018-09-28. Review status: criteria provided, single submitter. Criteria: ACMG Guidelines, 2015. Collection method: clinical testing. Allele origin: germline.

Illumina Laboratory Services, Illumina
Classification: Uncertain significance for Hypertrophic cardiomyopathy 4. Last evaluated: 2018-01-13. Review status: criteria provided, single submitter. Criteria: ICSL Variant Classification Criteria 13 December 2019. Collection method: clinical testing. Allele origin: germline.

Illumina Laboratory Services, Illumina
Classification: Likely benign for Left ventricular noncompaction 10. Last evaluated: 2018-01-13. Review status: criteria provided, single submitter. Criteria: ICSL Variant Classification Criteria 13 December 2019. Collection method: clinical testing. Allele origin: germline.
Comment: This variant was observed in the ICSL laboratory as part of a predisposition screen in an ostensibly healthy population. It had not been previously curated by ICSL or reported in the Human Gene Mutation Database (HGMD: prior to June 1st, 2018), and was therefore a candidate for classification through an automated scoring system. Utilizing variant allele frequency, disease prevalence and penetrance estimates, and inheritance mode, an automated score was calculated to assess if this variant is too frequent to cause the disease. Based on the score and internal cut-off values, a variant classified as likely benign is not then subjected to further curation. The score for this variant resulted in a classification of likely benign for this disease.

GeneDx
Classification: Benign. Last evaluated: 2015-03-03. Review status: criteria provided, single submitter. Criteria: GeneDx Variant Classification Process June 2021. Collection method: clinical testing. Allele origin: germline. Affected: yes.
Comment: This variant is associated with the following publications: (PMID: 28679633)

Laboratory for Molecular Medicine, Mass General Brigham Personalized Medicine
Classification: Likely benign. Last evaluated: 2012-06-14. Review status: criteria provided, single submitter. Criteria: LMM Criteria. Collection method: clinical testing. Allele origin: germline. Observed: 5 variant alleles.
Comment: Thr167Thr in exon 4 of MYBPC3: This variant is not expected to have clinical sig nificance because it does not alter an amino acid residue and is not located wit hin the splice consensus sequence. Thr167Thr in exon 4 of MYBPC3 (allele frequ ency = n/a)

PreventionGenetics, part of Exact Sciences
Classification: Likely benign for MYBPC3-related condition. Last evaluated: 2020-09-08. Review status: no assertion criteria provided. Collection method: clinical testing. Allele origin: germline. Not counted in ClinVar's aggregate classification.
Comment: This variant is classified as likely benign based on ACMG/AMP sequence variant interpretation guidelines (Richards et al. 2015 PMID: 25741868, with internal and published modifications).

Clinical Genetics DNA and cytogenetics Diagnostics Lab, Erasmus MC, Erasmus Medical Center
Classification: Likely benign. Review status: no assertion criteria provided. Collection method: clinical testing. Allele origin: germline. Affected: yes. Study: VKGL Data-share Consensus. Not counted in ClinVar's aggregate classification.

Joint Genome Diagnostic Labs from Nijmegen and Maastricht, Radboudumc and MUMC+
Classification: Likely benign. Review status: no assertion criteria provided. Collection method: clinical testing. Allele origin: germline. Affected: yes. Study: VKGL Data-share Consensus. Not counted in ClinVar's aggregate classification.